The following is an entry in ClinVar:

NM_005431.2(XRCC2):c.358T>C (p.Cys120Arg)

Gene: XRCC2 (X-ray repair cross complementing 2; minus strand). Cytogenetic location: 7q36.1.
Variant type: single nucleotide variant.
Coding change: c.358T>C on transcript NM_005431.2 (MANE Select); coding-DNA position 358, T replaced by C.
Protein change: p.Cys120Arg; replaces cysteine 120 with arginine.
Molecular consequence: missense variant.
Genome position (GRCh38, 1-based): chr7:152,649,127, A>G on the plus strand (T>C on the coding strand, the complement: XRCC2 is on the minus strand). VCF-style: chr7-152649127-A-G. GRCh37 (hg19) VCF-style: chr7-152346212-A-G.
Other names: short protein forms C120R.
Identifiers: ClinVar variation 823964 (VCV000823964.14), dbSNP rs1394795091, ClinGen allele CA370198875.

ClinVar aggregate classification (germline): Uncertain significance. Review status: criteria provided, multiple submitters, no conflicts (2 of 4 stars). 2 submissions from 2 submitters: Uncertain significance (2). Last evaluated 2025-01-27.

Conditions:
Hereditary cancer-predisposing syndrome. Also called: Neoplastic Syndromes, Hereditary; Tumor predisposition; Hereditary neoplastic syndrome; Hereditary Cancer Syndrome. Identifiers: Orphanet 140162, MedGen C0027672, MeSH D009386, MONDO:0015356.

Allele frequency attached by ClinVar (database versions not stated): gnomAD exomes below 0.00001 and 0.00001.
gnomAD v4.1: 13 of 1,613,896 alleles (0.00081%); highest among the groups gnomAD compares: Non-Finnish European, 0.0011%; no homozygotes.

Submissions (2):

Ambry Genetics
Classification: Uncertain significance for Hereditary cancer-predisposing syndrome. Last evaluated: 2025-01-27. Review status: criteria provided, single submitter. Criteria: Ambry Variant Classification Scheme 2023. Collection method: clinical testing. Allele origin: germline.
Comment: The p.C120R variant (also known as c.358T>C), located in coding exon 3 of the XRCC2 gene, results from a T to C substitution at nucleotide position 358. The cysteine at codon 120 is replaced by arginine, an amino acid with highly dissimilar properties. This amino acid position is highly conserved in available vertebrate species. In addition, this alteration is predicted to be deleterious by in silico analysis. Since supporting evidence is limited at this time, the clinical significance of this alteration remains unclear.

Labcorp Genetics (formerly Invitae), Labcorp
Classification: Uncertain significance. Last evaluated: 2022-12-26. Review status: criteria provided, single submitter. Criteria: Invitae Variant Classification Sherloc (09022015). Collection method: clinical testing. Allele origin: germline.
Comment: This variant is present in population databases (no rsID available, gnomAD 0.0009%). This sequence change replaces cysteine, which is neutral and slightly polar, with arginine, which is basic and polar, at codon 120 of the XRCC2 protein (p.Cys120Arg). This variant has not been reported in the literature in individuals affected with XRCC2-related conditions. In summary, the available evidence is currently insufficient to determine the role of this variant in disease. Therefore, it has been classified as a Variant of Uncertain Significance. Advanced modeling of protein sequence and biophysical properties (such as structural, functional, and spatial information, amino acid conservation, physicochemical variation, residue mobility, and thermodynamic stability) performed at Invitae indicates that this missense variant is expected to disrupt XRCC2 protein function. ClinVar contains an entry for this variant (Variation ID: 823964).